The following is an entry in ClinVar:

NM_031490.5(LONP2):c.471G>T (p.Leu157Phe)

Gene: LONP2 (lon peptidase 2, peroxisomal; plus strand). Cytogenetic location: 16q12.1.
Variant type: single nucleotide variant.
Coding change: c.471G>T on transcript NM_031490.5 (MANE Select); coding-DNA position 471, G replaced by T.
Protein change: p.Leu157Phe; replaces leucine 157 with phenylalanine.
Molecular consequence: missense variant. On other transcripts: intron variant (1).
Genome position (GRCh38, 1-based): chr16:48,256,612, G>T. VCF-style: chr16-48256612-G-T. GRCh37 (hg19) VCF-style: chr16-48290523-G-T.
Other names: c.471G>T, p.Leu157Phe (NM_001348078.2); c.469-2006G>T (NM_001300948.3); short protein forms L157F.
Identifiers: ClinVar variation 161779 (VCV000161779.2), dbSNP rs193920895, ClinGen allele CA174769.

ClinVar aggregate classification (germline): Uncertain significance (0 of 4 stars; one submission).

Conditions:
Prostate cancer. Also called: Malignant tumor of prostate. Identifiers: Orphanet 1331, MedGen C0376358, MONDO:0008315, HP:0012125.

Allele frequency attached by ClinVar (database versions not stated): gnomAD exomes 0.00001.

Submission:

Science for Life laboratory,  Karolinska Institutet
Classification: Uncertain significance for Malignant tumor of prostate. Review status: no assertion criteria provided. Collection method: not provided. Allele origin: somatic.
Comment: TumorID:SWE-18
ClinVar note: Converted during submission from Unknown to Uncertain significance.